The following is an entry in ClinVar:

NM_000492.4(CFTR):c.71T>A (p.Leu24Ter)

Gene: CFTR (CF transmembrane conductance regulator; plus strand). Cytogenetic location: 7q31.2.
Variant type: single nucleotide variant.
Coding change: c.71T>A on transcript NM_000492.4 (MANE Select); coding-DNA position 71, T replaced by A.
Protein change: p.Leu24Ter; replaces leucine 24 with a stop codon.
Molecular consequence: nonsense.
Genome position (GRCh38, 1-based): chr7:117,504,270, T>A. VCF-style: chr7-117504270-T-A. GRCh37 (hg19) VCF-style: chr7-117144324-T-A.
Other names: short protein forms L24*.
Identifiers: ClinVar variation 1706053 (VCV001706053.1), dbSNP rs2484968079, ClinGen allele CA368986891.

ClinVar aggregate classification (germline): Likely pathogenic (1 of 4 stars; one submission).

Conditions:
Cystic fibrosis (CF). Also called: MUCOVISCIDOSIS. Identifiers: Orphanet 586, MedGen C0010674, MONDO:0009061, OMIM 219700. Disease mechanism: loss of function.

Submission:

Institute of Human Genetics, University of Leipzig Medical Center
Classification: Likely pathogenic for Cystic fibrosis. Last evaluated: 2022-09-05. Review status: criteria provided, single submitter. Criteria: ACMG Guidelines, 2015. Collection method: curation. Allele origin: unknown. Affected: yes. Observed: 1 variant allele.
Comment: The variant was classified in the context of a project re-classifying variants in the German Cystic Fibrosis Registry (Muko.e.V.). Criteria applied: PVS1_STR, PM2_SUP, PP4